The following is an entry in ClinVar:

ClinVar aggregate classification (germline): Uncertain significance (1 of 4 stars; one submission).

Allele frequency attached by ClinVar (database versions not stated): gnomAD exomes 0.00001; TOPMed 0.00001; ExAC 0.00002.
gnomAD v4.1: 11 of 1,612,318 alleles (0.00068%); highest among the groups gnomAD compares: Admixed American, 0.0067%; no homozygotes.

Submission:

Labcorp Genetics (formerly Invitae), Labcorp
Classification: Uncertain significance. Last evaluated: 2022-08-23. Review status: criteria provided, single submitter. Criteria: Invitae Variant Classification Sherloc (09022015). Collection method: clinical testing. Allele origin: germline.
Comment: This sequence change replaces arginine, which is basic and polar, with glutamine, which is neutral and polar, at codon 79 of the SKIV2L protein (p.Arg79Gln). This variant also falls at the last nucleotide of exon 3, which is part of the consensus splice site for this exon. This variant is present in population databases (rs765221177, gnomAD 0.009%). This variant has not been reported in the literature in individuals affected with SKIV2L-related conditions. Algorithms developed to predict the effect of missense changes on protein structure and function (SIFT, PolyPhen-2, Align-GVGD) all suggest that this variant is likely to be tolerated. Variants that disrupt the consensus splice site are a relatively common cause of aberrant splicing (PMID: 17576681, 9536098). Algorithms developed to predict the effect of sequence changes on RNA splicing suggest that this variant may disrupt the consensus splice site. In summary, the available evidence is currently insufficient to determine the role of this variant in disease. Therefore, it has been classified as a Variant of Uncertain Significance.

Literature cited by the submitters: PubMed 17576681; PubMed 9536098.

NM_006929.5(SKIC2):c.236G>A (p.Arg79Gln)

Gene: SKIC2 (SKI2 subunit of superkiller complex; plus strand). Cytogenetic location: 6p21.33.
Variant type: single nucleotide variant.
Coding change: c.236G>A on transcript NM_006929.5 (MANE Select); coding-DNA position 236, G replaced by A.
Protein change: p.Arg79Gln; replaces arginine 79 with glutamine.
Molecular consequence: missense variant.
Genome position (GRCh38, 1-based): chr6:31,960,119, G>A. VCF-style: chr6-31960119-G-A. GRCh37 (hg19) VCF-style: chr6-31927896-G-A.
Other names: short protein forms R79Q.
Identifiers: ClinVar variation 1984818 (VCV001984818.1), dbSNP rs765221177, ClinGen allele CA3729084.